The following is an entry in ClinVar:

ClinVar aggregate classification (germline): Uncertain significance (1 of 4 stars; one submission).

Conditions:
Dyskeratosis congenita. Identifiers: Orphanet 1775, MedGen C0265965, MONDO:0015780.

Submission:

Ambry Genetics
Classification: Uncertain significance for Dyskeratosis congenita. Last evaluated: 2025-11-13. Review status: criteria provided, single submitter. Criteria: Ambry Variant Classification Scheme 2023. Collection method: clinical testing. Allele origin: germline.
Comment: The p.R688G variant (also known as c.2062A>G), located in coding exon 5 of the TERT gene, results from an A to G substitution at nucleotide position 2062. The arginine at codon 688 is replaced by glycine, an amino acid with dissimilar properties. This amino acid position is conserved. In addition, the in silico prediction for this alteration is inconclusive. Based on the available evidence, the clinical significance of this variant remains unclear.

NM_198253.3(TERT):c.2062A>G (p.Arg688Gly)

Gene: TERT (telomerase reverse transcriptase; minus strand). Cytogenetic location: 5p15.33.
Variant type: single nucleotide variant.
Coding change: c.2062A>G on transcript NM_198253.3 (MANE Select); coding-DNA position 2062, A replaced by G.
Protein change: p.Arg688Gly; replaces arginine 688 with glycine.
Molecular consequence: missense variant. On other transcripts: non-coding transcript variant (2).
Genome position (GRCh38, 1-based): chr5:1,279,359, T>C on the plus strand (A>G on the coding strand, the complement: TERT is on the minus strand). VCF-style: chr5-1279359-T-C. GRCh37 (hg19) VCF-style: chr5-1279474-T-C.
Other names: c.2062A>G, p.Arg688Gly (NM_001193376.3); short protein forms R688G.
Identifiers: ClinVar variation 4561856 (VCV004561856.1).